The following is an entry in ClinVar:

NM_172107.4(KCNQ2):c.1833G>A (p.Ala611=)

Gene: KCNQ2 (potassium voltage-gated channel subfamily Q member 2; minus strand). Cytogenetic location: 20q13.33.
Variant type: single nucleotide variant.
Coding change: c.1833G>A on transcript NM_172107.4 (MANE Select); coding-DNA position 1833, G replaced by A.
Protein change: p.Ala611=; no amino-acid change (alanine 611 retained).
Molecular consequence: synonymous variant.
Genome position (GRCh38, 1-based): chr20:63,408,467, C>T on the plus strand (G>A on the coding strand, the complement: KCNQ2 is on the minus strand). VCF-style: chr20-63408467-C-T. GRCh37 (hg19) VCF-style: chr20-62039820-C-T.
Other names: p.A611A:GCG>GCA; c.1887G>A, p.Ala629= (NM_001382235.1); c.1776G>A, p.Ala592= (NM_001439003.1); c.1746G>A, p.Ala582= (NM_001439004.1); c.1749G>A, p.Ala583= (NM_004518.6); c.1779G>A, p.Ala593= (NM_172106.3); c.1740G>A, p.Ala580= (NM_172108.5).
Identifiers: ClinVar variation 138029 (VCV000138029.17), dbSNP rs564630217, ClinGen allele CA291809.
Genomic context (GRCh38, chr20:63,408,467, plus strand): 5'-TCGCACCTGCTTCTCCACCTTCCCGAGCCGTCCCATCATGCTGGGGTCCTCGGGCAGCTC[C>T]GCCTCGGCCGGGCCCTTGGTGCGGTCCTTGTCCGTGATCGCTGGGCCCCGCCCCACGATC-3'
Protein context (NP_742105.1, residues 601-621): DKDRTKGPAE[Ala611=]ELPEDPSMMG

ClinVar aggregate classification (germline): Benign/Likely benign. Review status: criteria provided, multiple submitters, no conflicts (2 of 4 stars). 4 submissions from 4 submitters: Benign (2); Likely benign (2). Last evaluated 2025-07-30.

Conditions:
Inborn genetic diseases. Identifiers: MedGen C0950123, MeSH D030342.
Early-infantile DEE. Also called: Early infantile epileptic encephalopathy; Early infantile epileptic encephalopathy with suppression bursts; Ohtahara syndrome. Identifiers: Orphanet 1934, MedGen C0393706, MONDO:0800491.

Allele frequency attached by ClinVar (database versions not stated): TOPMed 0.00002; ExAC 0.00076; 1000 Genomes Project 0.00200; gnomAD 0.00019 and 0.00001; gnomAD exomes 0.00027 and 0.00056; 1000 Genomes Project 30x 0.00172.
gnomAD v4.1: 422 of 1,607,738 alleles (0.026%); highest among the groups gnomAD compares: South Asian, 0.43%; 7 homozygotes.

Submissions (4):

Labcorp Genetics (formerly Invitae), Labcorp
Classification: Benign for Early-infantile DEE. Last evaluated: 2025-07-30. Review status: criteria provided, single submitter. Criteria: Invitae Variant Classification Sherloc (09022015). Collection method: clinical testing. Allele origin: germline.

Blueprint Genetics
Classification: Likely benign. Last evaluated: 2024-11-18. Review status: criteria provided, single submitter. Criteria: ACMG Guidelines, 2015. Collection method: clinical testing. Allele origin: germline.

Ambry Genetics
Classification: Likely benign for Inborn genetic diseases. Last evaluated: 2016-12-02. Review status: criteria provided, single submitter. Criteria: Ambry Variant Classification Scheme 2023. Collection method: clinical testing. Allele origin: germline.

GeneDx
Classification: Benign. Last evaluated: 2014-02-04. Review status: criteria provided, single submitter. Criteria: GeneDx Variant Classification (06012015). Collection method: clinical testing. Allele origin: germline. Affected: yes.
Comment: This variant is considered likely benign or benign based on one or more of the following criteria: it is a conservative change, it occurs at a poorly conserved position in the protein, it is predicted to be benign by multiple in silico algorithms, and/or has population frequency not consistent with disease.